The following is an entry in ClinVar:

NM_001122630.2(CDKN1C):c.742G>T (p.Ala248Ser)

Gene: CDKN1C (cyclin dependent kinase inhibitor 1C; minus strand). Cytogenetic location: 11p15.4.
Variant type: single nucleotide variant.
Coding change: c.742G>T on transcript NM_001122630.2 (MANE Select); coding-DNA position 742, G replaced by T.
Protein change: p.Ala248Ser; replaces alanine 248 with serine.
Molecular consequence: missense variant. On other transcripts: intron variant (1).
Genome position (GRCh38, 1-based): chr11:2,884,715, C>A on the plus strand (G>T on the coding strand, the complement: CDKN1C is on the minus strand). VCF-style: chr11-2884715-C-A. GRCh37 (hg19) VCF-style: chr11-2905945-C-A.
Other names: c.775G>T, p.Ala259Ser (LRG_533t1, NM_000076.2, NM_001362474.2); c.742G>T, p.Ala248Ser (NM_001122631.2); c.255+487G>T (NM_001362475.2); short protein forms A248S, A259S.
Identifiers: ClinVar variation 641737 (VCV000641737.13), dbSNP rs773881541, ClinGen allele CA5822175.
Genomic context (GRCh38, chr11:2,884,715, plus strand): 5'-CCGTGCGGGGCTCACCGGAGATCAGAGGCCCGGACAGCTTCTTGATCGCCGCGCCGTTGG[C>A]GCTGGCGGCCGCGGTGCCGGCCGCGGGACGTCCCGAAATCCCCGAGTGCAGCTGGTCAGC-3'
Protein context (NP_001116102.1, residues 238-258): RPAAGTAAAS[Ala248Ser]NGAAIKKLSG

ClinVar aggregate classification (germline): Uncertain significance. Review status: criteria provided, multiple submitters, no conflicts (2 of 4 stars). 5 submissions from 5 submitters: Uncertain significance (5). Last evaluated 2025-05-19.

Conditions:
Beckwith-Wiedemann syndrome (BWS). Also called: EMG SYNDROME; Exomphalos macroglossia gigantism syndrome. Identifiers: Orphanet 116, MedGen C0004903, MONDO:0007534, OMIM 130650.
Inborn genetic diseases. Identifiers: MedGen C0950123, MeSH D030342.
IMAGe syndrome. Also called: Intrauterine growth retardation, metaphyseal dysplasia, adrenal hypoplasia congenita, and genital anomalies; Intrauterine Growth Restriction, Metaphyseal Dysplasia, Adrenal Hypoplasia Congenita, and Genital Anomalies. Identifiers: Orphanet 85173, MedGen C1846009, MONDO:0013873, OMIM 614732.

Allele frequency attached by ClinVar (database versions not stated): gnomAD exomes below 0.00001; TOPMed below 0.00001; gnomAD 0.00001; ExAC 0.00002.
gnomAD v4.1: 3 of 1,501,600 alleles (0.0002%); highest among the groups gnomAD compares: East Asian, 0.0055%; no homozygotes.

Submissions (5):

Labcorp Genetics (formerly Invitae), Labcorp
Classification: Uncertain significance for Beckwith-Wiedemann syndrome. Last evaluated: 2025-05-19. Review status: criteria provided, single submitter. Criteria: Invitae Variant Classification Sherloc (09022015). Collection method: clinical testing. Allele origin: germline.
Comment: This sequence change replaces alanine, which is neutral and non-polar, with serine, which is neutral and polar, at codon 259 of the CDKN1C protein (p.Ala259Ser). This variant is present in population databases (rs773881541, gnomAD 0.01%). This variant has not been reported in the literature in individuals affected with CDKN1C-related conditions. ClinVar contains an entry for this variant (Variation ID: 641737). Invitae Evidence Modeling of protein sequence and biophysical properties (such as structural, functional, and spatial information, amino acid conservation, physicochemical variation, residue mobility, and thermodynamic stability) indicates that this missense variant is not expected to disrupt CDKN1C protein function with a negative predictive value of 80%. In summary, the available evidence is currently insufficient to determine the role of this variant in disease. Therefore, it has been classified as a Variant of Uncertain Significance.

Baylor Genetics
Classification: Uncertain significance for Beckwith-Wiedemann syndrome. Last evaluated: 2023-10-22. Review status: criteria provided, single submitter. Criteria: ACMG Guidelines, 2015. Collection method: clinical testing. Allele origin: unknown.

Ambry Genetics
Classification: Uncertain significance for Inborn genetic diseases. Last evaluated: 2022-06-24. Review status: criteria provided, single submitter. Criteria: Ambry Variant Classification Scheme 2023. Collection method: clinical testing. Allele origin: germline.

Fulgent Genetics
Classification: Uncertain significance for Beckwith-Wiedemann syndrome; IMAGe syndrome. Last evaluated: 2022-01-11. Review status: criteria provided, single submitter. Criteria: ACMG Guidelines, 2015. Collection method: clinical testing. Allele origin: unknown.

Genetic Services Laboratory, University of Chicago
Classification: Uncertain significance. Last evaluated: 2021-06-28. Review status: criteria provided, single submitter. Criteria: ACMG Guidelines, 2015. Collection method: clinical testing. Allele origin: germline. Affected: no.
Comment: DNA sequence analysis of the CDKN1C gene demonstrated a sequence change, c.775G>T, in exon 1 that results in an amino acid change, p.Ala259Ser. This sequence change does not appear to have been previously described in individuals with CDKN1C-related disorders. This sequence change has been described in one east Asian individual in the gnomAD population database (dbSNP rs773881541). The p.Ala259Ser change affects a moderately conserved amino acid residue of the CDKN1C protein. In-silico pathogenicity prediction tools (SIFT, PolyPhen2, Align GVGD, REVEL) provide contradictory results for the p.Ala259Ser substitution. Due to these contrasting evidences and the lack of functional studies, the clinical significance of the p.Ala259Ser change remains unknown at this time.